The following is an entry in ClinVar:

ClinVar aggregate classification (germline): Uncertain significance (1 of 4 stars; one submission).

Conditions:
Cystic fibrosis (CF). Also called: MUCOVISCIDOSIS. Identifiers: Orphanet 586, MedGen C0010674, MONDO:0009061, OMIM 219700. Disease mechanism: loss of function.

Submission:

Ambry Genetics
Classification: Uncertain significance for Cystic fibrosis. Last evaluated: 2026-08-03. Review status: criteria provided, single submitter. Criteria: Ambry Variant Classification Scheme 2023. Collection method: clinical testing. Allele origin: germline.
Comment: The p.I448L variant (also known as c.1342A>T), located in coding exon 10 of the CFTR gene, results from an A to T substitution at nucleotide position 1342. The isoleucine at codon 448 is replaced by leucine, an amino acid with highly similar properties. This amino acid position is conserved. In addition, the in silico prediction for this alteration is inconclusive. Based on the available evidence, the clinical significance of this variant remains unclear.

NM_000492.4(CFTR):c.1342A>T (p.Ile448Leu)

Genes: CFTR (CF transmembrane conductance regulator; plus strand), CFTR-AS1 (CFTR antisense RNA 1; minus strand). Cytogenetic location: 7q31.2.
Variant type: single nucleotide variant.
Coding change: c.1342A>T on transcript NM_000492.4 (MANE Select); coding-DNA position 1342, A replaced by T.
Protein change: p.Ile448Leu; replaces isoleucine 448 with leucine.
Molecular consequence: missense variant.
Genome position (GRCh38, 1-based): chr7:117,548,773, A>T. VCF-style: chr7-117548773-A-T. GRCh37 (hg19) VCF-style: chr7-117188827-A-T.
Other names: short protein forms I448L.
Identifiers: ClinVar variation 5034456 (VCV005034456.1).